The following is an entry in ClinVar:

NM_000284.4(PDHA1):c.844A>C (p.Met282Leu)

Gene: PDHA1 (pyruvate dehydrogenase E1 subunit alpha 1; plus strand). Cytogenetic location: Xp22.12.
Variant type: single nucleotide variant.
Coding change: c.844A>C on transcript NM_000284.4 (MANE Select); coding-DNA position 844, A replaced by C.
Protein change: p.Met282Leu; replaces methionine 282 with leucine.
Molecular consequence: missense variant.
Genome position (GRCh38, 1-based): chrX:19,357,664, A>C. VCF-style: chrX-19357664-A-C. GRCh37 (hg19) VCF-style: chrX-19375782-A-C.
Other names: p.M282L:ATG>CTG; c.958A>C, p.Met320Leu (NM_001173454.2); c.865A>C, p.Met289Leu (NM_001173455.2); c.751A>C, p.Met251Leu (NM_001173456.2); short protein forms M282L, M251L, M289L, M320L.
Identifiers: ClinVar variation 10885 (VCV000010885.27), dbSNP rs2229137, ClinGen allele CA121220.

ClinVar aggregate classification (germline): Benign. Review status: reviewed by expert panel (3 of 4 stars). 13 submissions from 13 submitters: Benign (1). 12 of the submissions do not count toward it. Last evaluated 2021-04-02.

Conditions:
Pyruvate dehydrogenase E1-alpha deficiency (PDHAD). Also called: ATAXIA, INTERMITTENT, WITH PYRUVATE DEHYDROGENASE DEFICIENCY; ATAXIA WITH LACTIC ACIDOSIS I; ATAXIA, INTERMITTENT, WITH ABNORMAL PYRUVATE METABOLISM; Ataxia, intermittent, with pyruvate dehydrogenase, or decarboxylase, deficiency. Identifiers: Orphanet 79243, MedGen C1839413, MONDO:0010717, OMIM 312170.
Inborn genetic diseases. Identifiers: MedGen C0950123, MeSH D030342.
Pyruvate dehydrogenase complex deficiency (PDHC). Also called: Pyruvate Dehydrogenase Complex Deficiency Disease; PDH DEFICIENCY; PYRUVATE DECARBOXYLASE DEFICIENCY; Pyruvate dehydrogenase deficiency; Ataxia with lactic acidosis 1. Identifiers: Orphanet 765, Orphanet 79243, MedGen C0034345, MONDO:0019169.

Allele frequency attached by ClinVar (database versions not stated): gnomAD 0.00715 and 0.00949; gnomAD exomes 0.00745 and 0.02142; TOPMed 0.01055; ExAC 0.02070; 1000 Genomes Project 30x 0.04641; 1000 Genomes Project 0.04954.

Submissions (13):

ClinGen Mitochondrial Disease Nuclear and Mitochondrial  Variant Curation Expert Panel, ClinGen
Classification: Benign for Pyruvate dehydrogenase complex deficiency. Last evaluated: 2021-04-02. Review status: reviewed by expert panel. Criteria: ClinGen Mito Disease ACMG Specifications v1. Collection method: curation. Allele origin: germline. Inheritance: X-linked inheritance.
Comment: The allele frequency of the c.844A>C (p.M282L) variant in the PDHA1 gene is 0.207% in gnomAD, including 1,436 hemizygotes. This allele frequency, and the frequency with which it is seen in hemizygotes in the general population are high enough to be classified as benign based on thresholds defined by the ClinGen PDHA1 Variant Curation Expert Panel (>0.092%; gnomAD >16 hemizygotes). In summary, this variant meets criteria to be classified as benign for PDHA1- related pyruvate dehydrogenase deficiency in an X-linked manner. PDHA1-specific ACMG/AMP criteria applied: (BA1, BS2). This was reviewed with the PDHA1 expert panel on 2/16/2021 and approved on 2/16/2021.

Labcorp Genetics (formerly Invitae), Labcorp
Classification: Benign for Pyruvate dehydrogenase E1-alpha deficiency. Last evaluated: 2026-02-04. Review status: criteria provided, single submitter. Criteria: Invitae Variant Classification Sherloc (09022015). Collection method: clinical testing. Allele origin: germline. Not counted in ClinVar's aggregate classification.

Mayo Clinic Laboratories, Mayo Clinic
Classification: Benign. Last evaluated: 2025-04-10. Review status: criteria provided, single submitter. Criteria: ACMG Guidelines, 2015. Collection method: clinical testing. Allele origin: germline. Observed: 16 variant alleles. Not counted in ClinVar's aggregate classification.
Comment: BA1, BS2

Department of Pathology and Laboratory Medicine, Sinai Health System
Classification: Benign for Pyruvate dehydrogenase E1-alpha deficiency. Last evaluated: 2023-04-05. Review status: criteria provided, single submitter. Criteria: ACMG Guidelines, 2015. Collection method: research. Allele origin: germline. Not counted in ClinVar's aggregate classification.

Women's Health and Genetics/Laboratory Corporation of America, LabCorp
Classification: Benign. Last evaluated: 2021-12-20. Review status: criteria provided, single submitter. Criteria: LabCorp Variant Classification Summary - May 2015. Collection method: clinical testing. Allele origin: germline. Not counted in ClinVar's aggregate classification.
Comment: Variant summary: PDHA1 c.844A>C (p.Met282Leu) results in a conservative amino acid change in the encoded protein sequence. Four of four in-silico tools predict a benign effect of the variant on protein function. The variant allele was found at a frequency of 0.021 in 183510 control chromosomes, predominantly at a frequency of 0.26 within the East Asian subpopulation in the gnomAD database, including 329 homozygotes. The observed variant frequency within East Asian control individuals in the gnomAD database is approximately 831999.87 fold of the estimated maximal expected allele frequency for a pathogenic variant in PDHA1 causing Pyruvate Dehydrogenase Deficiency phenotype (3.1e-07), strongly suggesting that the variant is a benign polymorphism found primarily in populations of East Asian origin. Eight clinical diagnostic laboratories have submitted clinical-significance assessments for this variant to ClinVar after 2014 without evidence for independent evaluation, all but one classified the variant as benign. Based on the evidence outlined above, the variant was classified as benign.

Illumina Laboratory Services, Illumina
Classification: Benign for Pyruvate dehydrogenase E1-alpha deficiency. Last evaluated: 2017-04-28. Review status: criteria provided, single submitter. Criteria: ICSL Variant Classification Criteria 13 December 2019. Collection method: clinical testing. Allele origin: germline. Not counted in ClinVar's aggregate classification.
Comment: This variant was observed as part of a predisposition screen in an ostensibly healthy population. A literature search was performed for the gene, cDNA change, and amino acid change (where applicable). Publications were found based on this search. The evidence from the literature, in combination with allele frequency data from public databases where available, was sufficient to rule this variant out of causing disease. Therefore, this variant is classified as benign.

Eurofins Ntd Llc (ga)
Classification: Benign. Last evaluated: 2016-11-02. Review status: criteria provided, single submitter. Criteria: EGL Classification Definitions 2015. Collection method: clinical testing. Allele origin: germline. Observed: 1 variant allele, 1 hemizygote. Not counted in ClinVar's aggregate classification.

Center for Pediatric Genomic Medicine, Children's Mercy Hospital and Clinics
Classification: Benign. Last evaluated: 2016-05-04. Review status: criteria provided, single submitter. Criteria: ACMG Guidelines, 2015. Collection method: clinical testing. Allele origin: germline. Not counted in ClinVar's aggregate classification.

Ambry Genetics
Classification: Benign for Inborn genetic diseases. Last evaluated: 2015-06-25. Review status: criteria provided, single submitter. Criteria: Ambry Variant Classification Scheme 2023. Collection method: clinical testing. Allele origin: germline. Not counted in ClinVar's aggregate classification.

GeneDx
Classification: Benign. Last evaluated: 2013-12-27. Review status: criteria provided, single submitter. Criteria: GeneDx Variant Classification (06012015). Collection method: clinical testing. Allele origin: germline. Affected: yes. Not counted in ClinVar's aggregate classification.
Comment: This variant is considered likely benign or benign based on one or more of the following criteria: it is a conservative change, it occurs at a poorly conserved position in the protein, it is predicted to be benign by multiple in silico algorithms, and/or has population frequency not consistent with disease.

Breakthrough Genomics
Classification: Benign. Review status: criteria provided, single submitter. Criteria: ACMG Guidelines, 2015. Collection method: not provided. Allele origin: germline. Inheritance: X-linked inheritance. Affected: yes. Not counted in ClinVar's aggregate classification.

Natera, Inc.
Classification: Benign for Pyruvate decarboxylase deficiency. Last evaluated: 2020-09-16. Review status: no assertion criteria provided. Collection method: clinical testing. Allele origin: germline. Not counted in ClinVar's aggregate classification.

OMIM
Classification: Pathogenic for PYRUVATE DEHYDROGENASE E1-ALPHA DEFICIENCY. Last evaluated: 2017-08-15. Review status: no assertion criteria provided. Collection method: literature only. Allele origin: germline. Not counted in ClinVar's aggregate classification.

Literature cited by the submitters: PubMed 23871722 (cited by Illumina Laboratory Services, Illumina and Eurofins Ntd Llc (ga)); PubMed 8598634 (cited by Illumina Laboratory Services, Illumina and Eurofins Ntd Llc (ga)); PubMed 8032855 (cited by Illumina Laboratory Services, Illumina and Eurofins Ntd Llc (ga)); PubMed 7692352 (cited by OMIM).